The following is an entry in ClinVar:

NM_014028.4(OSTM1):c.191A>G (p.Gln64Arg)

Gene: OSTM1 (osteoclastogenesis associated transmembrane protein 1; minus strand). Cytogenetic location: 6q21.
Variant type: single nucleotide variant.
Coding change: c.191A>G on transcript NM_014028.4 (MANE Select); coding-DNA position 191, A replaced by G.
Protein change: p.Gln64Arg; replaces glutamine 64 with arginine.
Molecular consequence: missense variant.
Genome position (GRCh38, 1-based): chr6:108,074,461, T>C on the plus strand (A>G on the coding strand, the complement: OSTM1 is on the minus strand). VCF-style: chr6-108074461-T-C. GRCh37 (hg19) VCF-style: chr6-108395665-T-C.
Other names: short protein forms Q64R.
Identifiers: ClinVar variation 3702178 (VCV003702178.2).

ClinVar aggregate classification (germline): Uncertain significance (1 of 4 stars; one submission).

gnomAD v4.1: 1 of 1,557,160 alleles (0.000064%); highest among the groups gnomAD compares: Non-Finnish European, 0.000087%; no homozygotes.

Submission:

Labcorp Genetics (formerly Invitae), Labcorp
Classification: Uncertain significance. Last evaluated: 2024-02-25. Review status: criteria provided, single submitter. Criteria: Invitae Variant Classification Sherloc (09022015). Collection method: clinical testing. Allele origin: germline.
Comment: This sequence change replaces glutamine, which is neutral and polar, with arginine, which is basic and polar, at codon 64 of the OSTM1 protein (p.Gln64Arg). This variant is not present in population databases (gnomAD no frequency). This variant has not been reported in the literature in individuals affected with OSTM1-related conditions. Algorithms developed to predict the effect of missense changes on protein structure and function output the following: SIFT: "Not Available"; PolyPhen-2: "Benign"; Align-GVGD: "Not Available". The arginine amino acid residue is found in multiple mammalian species, which suggests that this missense change does not adversely affect protein function. In summary, the available evidence is currently insufficient to determine the role of this variant in disease. Therefore, it has been classified as a Variant of Uncertain Significance.